The following is an entry in ClinVar:

ClinVar aggregate classification (germline): Uncertain significance (1 of 4 stars; one submission).

Conditions:
Wilms tumor 1 (WT1). Also called: Wilms tumor, somatic. Identifiers: Orphanet 654, MedGen CN033288, MONDO:0008679, OMIM 194070.

Submission:

All of Us Research Program, National Institutes of Health
Classification: Uncertain significance for Wilms tumor 1. Last evaluated: 2023-06-26. Review status: criteria provided, single submitter. Criteria: ACMG Guidelines, 2015. Collection method: clinical testing. Allele origin: germline. Inheritance: Autosomal dominant inheritance. Observed: 1 variant allele, 1 heterozygote.
Comment: This missense variant replaces valine with methionine at codon 326 of the WT1 protein. Computational prediction suggests that this variant may not impact protein structure and function (internally defined REVEL score threshold <= 0.5, PMID: 27666373). To our knowledge, functional studies have not been reported for this variant. This variant has not been reported in individuals affected with WT1-related disorders in the literature. This variant has not been identified in the general population by the Genome Aggregation Database (gnomAD). The available evidence is insufficient to determine the role of this variant in disease conclusively. Therefore, this variant is classified as a Variant of Uncertain Significance.

This study involves interpretation of variants in research participants for the purpose of population health screening. Participant phenotype was not available at the time of variant classification. Additional details can be found in publication PMID: 35346344, PMCID: PMC8962531

NM_024426.6(WT1):c.991G>A (p.Val331Met)

Gene: WT1 (WT1 transcription factor; minus strand). Cytogenetic location: 11p13.
Variant type: single nucleotide variant.
Coding change: c.991G>A on transcript NM_024426.6 (MANE Select); coding-DNA position 991, G replaced by A.
Protein change: p.Val331Met; replaces valine 331 with methionine.
Molecular consequence: missense variant. On other transcripts: non-coding transcript variant (1), intron variant (6).
Genome position (GRCh38, 1-based): chr11:32,416,515, C>T on the plus strand (G>A on the coding strand, the complement: WT1 is on the minus strand). VCF-style: chr11-32416515-C-T. GRCh37 (hg19) VCF-style: chr11-32438061-C-T.
Other names: c.340G>A, p.Val114Met (NM_001198551.2); c.991G>A, p.Val331Met (NM_001407044.1, NM_001407046.1, NM_024424.5); c.868G>A, p.Val290Met (NM_001407047.1); c.229G>A, p.Val77Met (NM_001407051.1); c.772G>A, p.Val258Met (NM_001429031.1, NM_001429032.1); c.842+1062G>A (NM_001407050.1); c.965+1062G>A (NM_001407048.1, NM_001407049.1, NM_000378.6 and 1 more transcripts); c.314+1062G>A (NM_001198552.2); short protein forms V114M, V258M, V290M, V326M, V331M, V77M.
Identifiers: ClinVar variation 3071936 (VCV003071936.1), dbSNP rs2494362259, ClinGen allele CA379961786.